The following is an entry in ClinVar:

NM_004447.6(EPS8):c.1957A>G (p.Asn653Asp)

Gene: EPS8 (EGFR pathway substrate 8, signaling adaptor; minus strand). Cytogenetic location: 12p12.3.
Variant type: single nucleotide variant.
Coding change: c.1957A>G on transcript NM_004447.6 (MANE Select); coding-DNA position 1957, A replaced by G.
Protein change: p.Asn653Asp; replaces asparagine 653 with aspartic acid.
Molecular consequence: missense variant. On other transcripts: non-coding transcript variant (3).
Genome position (GRCh38, 1-based): chr12:15,631,529, T>C on the plus strand (A>G on the coding strand, the complement: EPS8 is on the minus strand). VCF-style: chr12-15631529-T-C. GRCh37 (hg19) VCF-style: chr12-15784463-T-C.
Other names: c.1957A>G, p.Asn653Asp (NM_001413834.1, NM_001413832.1, NM_001413833.1); c.1717A>G, p.Asn573Asp (NM_001413835.1, NM_001413836.1); c.1540A>G, p.Asn514Asp (NM_001413837.1); c.1177A>G, p.Asn393Asp (NM_001413838.1); c.1993A>G, p.Asn665Asp (NM_001413831.1); short protein forms N393D, N514D, N573D, N653D, N665D.
Identifiers: ClinVar variation 4538110 (VCV004538110.1).

ClinVar aggregate classification (germline): Uncertain significance (1 of 4 stars; one submission).

Submission:

GeneDx
Classification: Uncertain significance. Last evaluated: 2025-06-10. Review status: criteria provided, single submitter. Criteria: GeneDx Variant Classification Process June 2021. Collection method: clinical testing. Allele origin: germline. Affected: yes.
Comment: Not observed at significant frequency in large population cohorts (gnomAD); In silico analysis suggests that this missense variant does not alter protein structure/function; Has not been previously published as pathogenic or benign to our knowledge